The following is an entry in ClinVar:

NM_000046.5(ARSB):c.1195T>C (p.Phe399Leu)

Gene: ARSB (arylsulfatase B; minus strand). Cytogenetic location: 5q14.1.
Variant type: single nucleotide variant.
Coding change: c.1195T>C on transcript NM_000046.5 (MANE Select); coding-DNA position 1195, T replaced by C.
Protein change: p.Phe399Leu; replaces phenylalanine 399 with leucine.
Molecular consequence: missense variant.
Genome position (GRCh38, 1-based): chr5:78,839,374, A>G on the plus strand (T>C on the coding strand, the complement: ARSB is on the minus strand). VCF-style: chr5-78839374-A-G. GRCh37 (hg19) VCF-style: chr5-78135197-A-G.
Other names: c.1195T>C, p.Phe399Leu (NM_198709.3); short protein forms F399L.
Identifiers: ClinVar variation 559687 (VCV000559687.3), dbSNP rs762979755, ClinGen allele CA3318088.

ClinVar aggregate classification (germline): Conflicting classifications of pathogenicity. Review status: criteria provided, conflicting classifications (1 of 4 stars). 2 submissions from 2 submitters: Pathogenic (1); Uncertain significance (1). Last evaluated 2024-09-11.

Conditions:
Mucopolysaccharidosis type 6 (MPS6). Also called: N-ACETYLGALACTOSAMINE-4-SULFATASE DEFICIENCY; MPS VI; MPS 6; Maroteaux Lamy syndrome; ARSB DEFICIENCY; ARYLSULFATASE B DEFICIENCY. Identifiers: Orphanet 583, MedGen C0026709, MONDO:0009661, OMIM 253200.

Allele frequency attached by ClinVar (database versions not stated): gnomAD exomes below 0.00001; ExAC 0.00001; gnomAD 0.00001.
gnomAD v4.1: 5 of 1,613,796 alleles (0.00031%); highest among the groups gnomAD compares: African/African-American, 0.0013%; no homozygotes.

Submissions (2):

Labcorp Genetics (formerly Invitae), Labcorp
Classification: Pathogenic for Mucopolysaccharidosis type 6. Last evaluated: 2024-09-11. Review status: criteria provided, single submitter. Criteria: Invitae Variant Classification Sherloc (09022015). Collection method: clinical testing. Allele origin: germline.
Comment: This sequence change replaces phenylalanine, which is neutral and non-polar, with leucine, which is neutral and non-polar, at codon 399 of the ARSB protein (p.Phe399Leu). This variant is present in population databases (rs762979755, gnomAD 0.0009%). This missense change has been observed in individual(s) with mucopolysaccharidosis type VI (PMID: 18486607, 22976768, 25190157). ClinVar contains an entry for this variant (Variation ID: 559687). Invitae Evidence Modeling of protein sequence and biophysical properties (such as structural, functional, and spatial information, amino acid conservation, physicochemical variation, residue mobility, and thermodynamic stability) has been performed for this missense variant. However, the output from this modeling did not meet the statistical confidence thresholds required to predict the impact of this variant on ARSB protein function. For these reasons, this variant has been classified as Pathogenic.

Laboratory of Diagnosis and Therapy of Lysosomal Disorders, University of Padova
Classification: Uncertain significance for Mucopolysaccharidosis type 6. Last evaluated: 2018-01-01. Review status: criteria provided, single submitter. Criteria: ACMG Guidelines, 2015. Collection method: curation. Allele origin: germline. Affected: yes.
Comment: Very low frequency in ExAC (PM2)

Literature cited by the submitters: PubMed 18486607 (cited by Labcorp Genetics (formerly Invitae), Labcorp); PubMed 22976768 (cited by Labcorp Genetics (formerly Invitae), Labcorp and Laboratory of Diagnosis and Therapy of Lysosomal Disorders, University of Padova); PubMed 25190157 (cited by Labcorp Genetics (formerly Invitae), Labcorp); PubMed 30118150 (cited by Laboratory of Diagnosis and Therapy of Lysosomal Disorders, University of Padova).